The following is an entry in ClinVar:

ClinVar aggregate classification (germline): Uncertain significance (1 of 4 stars; one submission).

Conditions:
Inborn genetic diseases. Identifiers: MedGen C0950123, MeSH D030342.

gnomAD v4.1: 1 of 1,582,678 alleles (0.000063%); highest among the groups gnomAD compares: Non-Finnish European, 0.000086%; no homozygotes.

Submission:

Ambry Genetics
Classification: Uncertain significance for Inborn genetic diseases. Last evaluated: 2024-05-22. Review status: criteria provided, single submitter. Criteria: Ambry Variant Classification Scheme 2023. Collection method: clinical testing. Allele origin: germline.
Comment: Resulting transcript is predicted to be in-frame and is not expected to trigger nonsense-mediated mRNA decay Based on insufficient or conflicting evidence, the clinical significance of this alteration remains unclear.

NM_000092.5(COL4A4):c.372+1G>A

Gene: COL4A4 (collagen type IV alpha 4 chain; minus strand). Cytogenetic location: 2q36.3.
Variant type: single nucleotide variant.
Coding change: c.372+1G>A on transcript NM_000092.5 (MANE Select); the canonical splice donor site of the intron after coding-DNA position 372, G replaced by A.
Molecular consequence: splice donor variant.
Genome position (GRCh38, 1-based): chr2:227,119,894, C>T on the plus strand (G>A on the coding strand, the complement: COL4A4 is on the minus strand). VCF-style: chr2-227119894-C-T. GRCh37 (hg19) VCF-style: chr2-227984610-C-T.
Identifiers: ClinVar variation 3268732 (VCV003268732.1).